The following is an entry in ClinVar:

ClinVar aggregate classification (germline): Likely benign (0 of 4 stars; one submission).

Conditions:
ALPK2-related disorder. Also called: ALPK2-related condition.

Allele frequency attached by ClinVar (database versions not stated): ExAC 0.00024; 1000 Genomes Project 0.00040; 1000 Genomes Project 30x 0.00078; TOPMed 0.00087; gnomAD 0.00088; ESP Exome Variant Server 0.00092.
gnomAD v4.1: 234 of 1,614,022 alleles (0.014%); highest among the groups gnomAD compares: African/African-American, 0.29%; 2 homozygotes.

Submission:

PreventionGenetics, part of Exact Sciences
Classification: Likely benign for ALPK2-related condition. Last evaluated: 2022-08-29. Review status: no assertion criteria provided. Collection method: clinical testing. Allele origin: germline.
Comment: This variant is classified as likely benign based on ACMG/AMP sequence variant interpretation guidelines (Richards et al. 2015 PMID: 25741868, with internal and published modifications).

NM_052947.4(ALPK2):c.5501+5G>A

Gene: ALPK2 (alpha kinase 2; minus strand). Cytogenetic location: 18q21.31.
Variant type: single nucleotide variant.
Coding change: c.5501+5G>A on transcript NM_052947.4 (MANE Select); 5 bases into the intron after coding-DNA position 5501, G replaced by A.
Molecular consequence: intron variant.
Genome position (GRCh38, 1-based): chr18:58,529,086, C>T on the plus strand (G>A on the coding strand, the complement: ALPK2 is on the minus strand). VCF-style: chr18-58529086-C-T. GRCh37 (hg19) VCF-style: chr18-56196318-C-T.
Identifiers: ClinVar variation 3053410 (VCV003053410.2), dbSNP rs372787714, ClinGen allele CA8976495.